The following is an entry in ClinVar:

ClinVar aggregate classification (germline): Uncertain significance (1 of 4 stars; one submission).

Submission:

Labcorp Genetics (formerly Invitae), Labcorp
Classification: Uncertain significance. Last evaluated: 2025-01-27. Review status: criteria provided, single submitter. Criteria: Invitae Variant Classification Sherloc (09022015). Collection method: clinical testing. Allele origin: germline.
Comment: This sequence change replaces serine, which is neutral and polar, with arginine, which is basic and polar, at codon 1212 of the ATRN protein (p.Ser1212Arg). This variant is not present in population databases (gnomAD no frequency). This variant has not been reported in the literature in individuals affected with ATRN-related conditions. ClinVar contains an entry for this variant (Variation ID: 2106770). An algorithm developed to predict the effect of missense changes on protein structure and function (PolyPhen-2) suggests that this variant is likely to be tolerated. In summary, the available evidence is currently insufficient to determine the role of this variant in disease. Therefore, it has been classified as a Variant of Uncertain Significance.

NM_139321.3(ATRN):c.3634A>C (p.Ser1212Arg)

Gene: ATRN (attractin; plus strand). Cytogenetic location: 20p13.
Variant type: single nucleotide variant.
Coding change: c.3634A>C on transcript NM_139321.3 (MANE Select); coding-DNA position 3634, A replaced by C.
Protein change: p.Ser1212Arg; replaces serine 1212 with arginine.
Molecular consequence: missense variant.
Genome position (GRCh38, 1-based): chr20:3,601,015, A>C. VCF-style: chr20-3601015-A-C. GRCh37 (hg19) VCF-style: chr20-3581662-A-C.
Other names: c.3286A>C, p.Ser1096Arg (NM_001207047.3); c.3634A>C, p.Ser1212Arg (NM_001323332.2, NM_139322.4); short protein forms S1212R, S1096R.
Identifiers: ClinVar variation 2106770 (VCV002106770.4), dbSNP rs2514614388, ClinGen allele CA408102256.
Genomic context (GRCh38, chr20:3,601,015, plus strand): 5'-GATTTGGACATGTTCATCAATGCCTCCAAGAATTTCAACCTCAACATCACCTGGGCTGCC[A>C]GTTTCTCAGGTAAAGACATACCTAGAGAAGACCCCGCAAATGAAGGTGTGGTAGATTAAG-3'
Protein context (NP_647537.1, residues 1202-1222): NFNLNITWAA[Ser1212Arg]FSAGTQAGEE